The following is an entry in ClinVar:

ClinVar aggregate classification (germline): Pathogenic/Likely pathogenic. Review status: criteria provided, multiple submitters, no conflicts (2 of 4 stars). 4 submissions from 4 submitters: Pathogenic (3); Likely pathogenic (1). Last evaluated 2025-05-14.

Conditions:
VPS13A-related neurodegenerative disease. Also called: VPS13A Disease; Choreaacanthocytosis; ACANTHOCYTOSIS WITH NEUROLOGIC DISORDER; LEVINE-CRITCHLEY SYNDROME; Choreoacanthocytosis; Chorea-acanthocytosis. Identifiers: Orphanet 2388, MedGen C0393576, MONDO:0008695, OMIM 200150.
Inborn genetic diseases. Identifiers: MedGen C0950123, MeSH D030342.

Allele frequency attached by ClinVar (database versions not stated): gnomAD exomes below 0.00001; ExAC 0.00001; gnomAD 0.00001; TOPMed 0.00001.
gnomAD v4.1: 6 of 1,613,798 alleles (0.00037%); highest among the groups gnomAD compares: Non-Finnish European, 0.00034%; no homozygotes.

Submissions (4):

Natera, Inc.
Classification: Likely pathogenic for Choreaacanthocytosis. Last evaluated: 2025-05-14. Review status: criteria provided, single submitter. Criteria: Natera Variant Classification Schema (03/2026). Collection method: clinical testing. Allele origin: germline.
Comment: The c.6700C>T variant in VPS13A is a nonsense variant predicted to introduce a stop codon at amino acid 2234. This variant is expected to result in nonsense mediated decay, truncation, or a dysfunctional protein product. This variant is rare in the general population with a frequency below the threshold expected for the associated phenotype(s). Given the available evidence, this variant is classified as Likely Pathogenic.

Labcorp Genetics (formerly Invitae), Labcorp
Classification: Pathogenic. Last evaluated: 2025-02-06. Review status: criteria provided, single submitter. Criteria: Invitae Variant Classification Sherloc (09022015). Collection method: clinical testing. Allele origin: germline.
Comment: This sequence change creates a premature translational stop signal (p.Arg2234*) in the VPS13A gene. It is expected to result in an absent or disrupted protein product. Loss-of-function variants in VPS13A are known to be pathogenic (PMID: 12404112, 21598378). This variant is not present in population databases (gnomAD no frequency). This premature translational stop signal has been observed in individual(s) with choreoacanthocytosis (PMID: 11381253). ClinVar contains an entry for this variant (Variation ID: 2185547). Algorithms developed to predict the effect of sequence changes on RNA splicing suggest that this variant may disrupt the consensus splice site. For these reasons, this variant has been classified as Pathogenic.

Ambry Genetics
Classification: Pathogenic for Inborn genetic diseases. Last evaluated: 2025-01-23. Review status: criteria provided, single submitter. Criteria: Ambry Variant Classification Scheme 2023. Collection method: clinical testing. Allele origin: germline.
Comment: The c.6700C>T (p.R2234*) alteration, located in exon 48 (coding exon 48) of the VPS13A gene, consists of a C to T substitution at nucleotide position 6700. This changes the amino acid from an arginine (R) to a stop codon at amino acid position 2234. This alteration is expected to result in loss of function by premature protein truncation or nonsense-mediated mRNA decay. Based on data from gnomAD, the T allele has an overall frequency of 0.003% (1/31344) total alleles studied. This variant has been identified in conjunction with another VPS13A variant in at least one individual with clinical features of choreoacanthocytosis (Rampoldi, 2001; Vance, 1987). Based on the available evidence, this alteration is classified as pathogenic.

Fulgent Genetics
Classification: Pathogenic for VPS13A-related neurodegenerative disease. Last evaluated: 2024-04-22. Review status: criteria provided, single submitter. Criteria: ACMG Guidelines, 2015. Collection method: clinical testing. Allele origin: germline.

Literature cited by the submitters: PubMed 12404112 (cited by Labcorp Genetics (formerly Invitae), Labcorp); PubMed 21598378 (cited by Labcorp Genetics (formerly Invitae), Labcorp); PubMed 11381253 (cited by Labcorp Genetics (formerly Invitae), Labcorp and Ambry Genetics); PubMed 3322006 (cited by Ambry Genetics).

NM_033305.3(VPS13A):c.6700C>T (p.Arg2234Ter)

Gene: VPS13A (vacuolar protein sorting 13 homolog A; plus strand). Cytogenetic location: 9q21.2.
Variant type: single nucleotide variant.
Coding change: c.6700C>T on transcript NM_033305.3 (MANE Select); coding-DNA position 6700, C replaced by T.
Protein change: p.Arg2234Ter; replaces arginine 2234 with a stop codon.
Molecular consequence: nonsense.
Genome position (GRCh38, 1-based): chr9:77,339,837, C>T. VCF-style: chr9-77339837-C-T. GRCh37 (hg19) VCF-style: chr9-79954753-C-T.
Other names: c.6583C>T, p.Arg2195Ter (NM_001018037.2); c.6700C>T, p.Arg2234Ter (NM_001018038.3, NM_015186.4); c.6700C>T (NM_033305.2); short protein forms R2234*, R2195*.
Identifiers: ClinVar variation 2185547 (VCV002185547.8), dbSNP rs748922513, ClinGen allele CA5093090.